The following is an entry in ClinVar:

NM_001040108.2(MLH3):c.116A>G (p.Lys39Arg)

Gene: MLH3 (mutL homolog 3; minus strand). Cytogenetic location: 14q24.3.
Variant type: single nucleotide variant.
Coding change: c.116A>G on transcript NM_001040108.2 (MANE Select); coding-DNA position 116, A replaced by G.
Protein change: p.Lys39Arg; replaces lysine 39 with arginine.
Molecular consequence: missense variant.
Genome position (GRCh38, 1-based): chr14:75,049,540, T>C on the plus strand (A>G on the coding strand, the complement: MLH3 is on the minus strand). VCF-style: chr14-75049540-T-C. GRCh37 (hg19) VCF-style: chr14-75516243-T-C.
Other names: c.116A>G, p.Lys39Arg (NM_014381.3); short protein forms K39R.
Identifiers: ClinVar variation 1739067 (VCV001739067.3), dbSNP rs2503336939, ClinGen allele CA390451547.

ClinVar aggregate classification (germline): Uncertain significance (1 of 4 stars; one submission).

gnomAD v4.1: 1 of 1,614,172 alleles (0.000062%); no homozygotes.

Submission:

Ambry Genetics
Classification: Uncertain significance. Last evaluated: 2025-04-03. Review status: criteria provided, single submitter. Criteria: Ambry Variant Classification Scheme 2023. Collection method: clinical testing. Allele origin: germline.
Comment: The p.K39R variant (also known as c.116A>G), located in coding exon 1 of the MLH3 gene, results from an A to G substitution at nucleotide position 116. The lysine at codon 39 is replaced by arginine, an amino acid with highly similar properties. This amino acid position is conserved. In addition, this alteration is predicted to be tolerated by in silico analysis. Since supporting evidence is limited at this time, the clinical significance of this alteration remains unclear.